The following is an entry in ClinVar:

NM_024503.5(HIVEP3):c.462C>T (p.Pro154=)

Gene: HIVEP3 (HIVEP zinc finger 3; minus strand). Cytogenetic location: 1p34.2.
Variant type: single nucleotide variant.
Coding change: c.462C>T on transcript NM_024503.5 (MANE Select); coding-DNA position 462, C replaced by T.
Protein change: p.Pro154=; no amino-acid change (proline 154 retained).
Molecular consequence: synonymous variant.
Genome position (GRCh38, 1-based): chr1:41,584,336, G>A on the plus strand (C>T on the coding strand, the complement: HIVEP3 is on the minus strand). VCF-style: chr1-41584336-G-A. GRCh37 (hg19) VCF-style: chr1-42050007-G-A.
Other names: c.462C>T, p.Pro154= (NM_001127714.3).
Identifiers: ClinVar variation 2638734 (VCV002638734.24), dbSNP rs138785392, ClinGen allele CA798406.

ClinVar aggregate classification (germline): Likely benign (1 of 4 stars; one submission).

Allele frequency attached by ClinVar (database versions not stated): ExAC 0.00003; ESP Exome Variant Server 0.00015.
gnomAD v4.1: 25 of 1,613,636 alleles (0.0015%); highest among the groups gnomAD compares: South Asian, 0.0077%; no homozygotes.

Submission:

CeGaT Center for Human Genetics Tuebingen
Classification: Likely benign. Last evaluated: 2022-12-01. Review status: criteria provided, single submitter. Criteria: CeGaT Center For Human Genetics Tuebingen Variant Classification Criteria Version 2. Collection method: clinical testing. Allele origin: germline. Affected: yes. Observed: 1 variant allele.
Comment: HIVEP3: BP4, BP7